The following is an entry in ClinVar:

NM_001939.3(DRP2):c.1309G>T (p.Ala437Ser)

Gene: DRP2 (dystrophin related protein 2; plus strand). Cytogenetic location: Xq22.1.
Variant type: single nucleotide variant.
Coding change: c.1309G>T on transcript NM_001939.3 (MANE Select); coding-DNA position 1309, G replaced by T.
Protein change: p.Ala437Ser; replaces alanine 437 with serine.
Molecular consequence: missense variant.
Genome position (GRCh38, 1-based): chrX:101,248,145, G>T. VCF-style: chrX-101248145-G-T. GRCh37 (hg19) VCF-style: chrX-100503134-G-T.
Other names: c.1075G>T, p.Ala359Ser (NM_001171184.2); short protein forms A359S, A437S.
Identifiers: ClinVar variation 3388357 (VCV003388357.14).

ClinVar aggregate classification (germline): Uncertain significance (1 of 4 stars; one submission).

Submission:

CeGaT Center for Human Genetics Tuebingen
Classification: Uncertain significance. Last evaluated: 2024-09-01. Review status: criteria provided, single submitter. Criteria: CeGaT Center For Human Genetics Tuebingen Variant Classification Criteria Version 2. Collection method: clinical testing. Allele origin: germline. Affected: yes. Observed: 1 variant allele.
Comment: DRP2: PM2, BP4